The following is an entry in ClinVar:

NM_000069.3(CACNA1S):c.2619G>A (p.Leu873=)

Gene: CACNA1S (calcium voltage-gated channel subunit alpha1 S; minus strand). Cytogenetic location: 1q32.1.
Variant type: single nucleotide variant.
Coding change: c.2619G>A on transcript NM_000069.3 (MANE Select); coding-DNA position 2619, G replaced by A.
Protein change: p.Leu873=; no amino-acid change (leucine 873 retained).
Molecular consequence: synonymous variant.
Genome position (GRCh38, 1-based): chr1:201,066,925, C>T on the plus strand (G>A on the coding strand, the complement: CACNA1S is on the minus strand). VCF-style: chr1-201066925-C-T. GRCh37 (hg19) VCF-style: chr1-201036053-C-T.
Identifiers: ClinVar variation 3032001 (VCV003032001.3), dbSNP rs1661266188, ClinGen allele CA422687076.

ClinVar aggregate classification (germline): Likely benign. Review status: criteria provided, single submitter (1 of 4 stars). 2 submissions from 2 submitters: Likely benign (1). 1 of the submissions does not count toward it. Last evaluated 2024-04-16.

Conditions:
CACNA1S-related disorder. Also called: CACNA1S-related condition.
Malignant hyperthermia, susceptibility to, 5 (MHS5). Also called: CACNA1S-Related Malignant Hyperthermia Susceptibility. Identifiers: Orphanet 423, MedGen C1866077, MONDO:0011163, OMIM 601887.

Allele frequency attached by ClinVar (database versions not stated): TOPMed 0.00001.

Submissions (2):

All of Us Research Program, National Institutes of Health
Classification: Likely benign for Malignant hyperthermia, susceptibility to, 5. Last evaluated: 2024-04-16. Review status: criteria provided, single submitter. Criteria: ACMG Guidelines, 2015. Collection method: clinical testing. Allele origin: germline. Inheritance: Autosomal dominant inheritance. Observed: 1 variant allele, 1 heterozygote.
Comment: This study involves interpretation of variants in research participants for the purpose of population health screening. Participant phenotype was not available at the time of variant classification. Additional details can be found in publication PMID: 35346344, PMCID: PMC8962531

PreventionGenetics, part of Exact Sciences
Classification: Likely benign for CACNA1S-related condition. Last evaluated: 2020-09-28. Review status: no assertion criteria provided. Collection method: clinical testing. Allele origin: germline. Not counted in ClinVar's aggregate classification.
Comment: This variant is classified as likely benign based on ACMG/AMP sequence variant interpretation guidelines (Richards et al. 2015 PMID: 25741868, with internal and published modifications).